The following is an entry in ClinVar:

ClinVar aggregate classification (germline): Likely benign (1 of 4 stars; one submission).

Submission:

GeneDx
Classification: Likely benign. Last evaluated: 2020-04-01. Review status: criteria provided, single submitter. Criteria: GeneDx Variant Classification Process June 2021. Collection method: clinical testing. Allele origin: germline. Affected: yes.
Comment: See Variant Classification Assertion Criteria.

NM_004380.3(CREBBP):c.-409dup

Gene: CREBBP (CREB binding protein; minus strand). Cytogenetic location: 16p13.3.
Variant type: Duplication.
Coding change: c.-409dup on transcript NM_004380.3 (MANE Select); 409 bases upstream of the start codon, one base duplicated (G; older notation c.-409dupG).
Molecular consequence: 5 prime UTR variant.
Genome position (GRCh38, 1-based): chr16:3,880,325, C duplicated on the plus strand (G on the coding strand, the reverse complement: CREBBP is on the minus strand); the first of 8 consecutive C bases (chr16:3,880,325-3,880,332); duplicating any one gives the same sequence. VCF-style (leftmost placement, unchanged base first): chr16-3880324-T-TC. GRCh37 (hg19) VCF-style: chr16-3930325-T-TC.
Identifiers: ClinVar variation 2571702 (VCV002571702.1), dbSNP rs1421890167, ClinGen allele CA493277177.